The following is an entry in ClinVar:

NM_002691.4(POLD1):c.936G>T (p.Val312=)

Gene: POLD1 (DNA polymerase delta 1, catalytic subunit; plus strand). Cytogenetic location: 19q13.33.
Variant type: single nucleotide variant.
Coding change: c.936G>T on transcript NM_002691.4 (MANE Select); coding-DNA position 936, G replaced by T.
Protein change: p.Val312=; no amino-acid change (valine 312 retained).
Molecular consequence: synonymous variant. On other transcripts: non-coding transcript variant (1).
Genome position (GRCh38, 1-based): chr19:50,402,707, G>T. VCF-style: chr19-50402707-G-T. GRCh37 (hg19) VCF-style: chr19-50905964-G-T.
Other names: c.936G>T, p.Val312= (NM_001256849.1, NM_001308632.1).
Identifiers: ClinVar variation 3904322 (VCV003904322.1).
Genomic context (GRCh38, chr19:50,402,707, plus strand): 5'-GTCTGACGTGGTCAGTCACCCACCGGAAGGGCCATGGCAGCGCATTGCGCCCTTGCGCGT[G>T]CTCAGCTTCGATATCGAGTGCGCCGGCCGCAAAGGTCTGTCCCCGGGCCCGGGCTCCTGC-3'
Protein context (NP_002682.2, residues 302-322): GPWQRIAPLR[Val312=]LSFDIECAGR

ClinVar aggregate classification (germline): Benign (1 of 4 stars; one submission).

Conditions:
POLD1-related polyposis and colorectal cancer syndrome (CRCS10). Also called: Colorectal cancer 10; COLORECTAL CANCER, SUSCEPTIBILITY TO, ON CHROMOSOME 19q; Colorectal cancer, susceptibility to, 10. Identifiers: Orphanet 220460, MedGen C2675481, MONDO:0012953, OMIM 612591.

Submission:

Myriad Genetics, Inc.
Classification: Benign for POLD1-related polyposis and colorectal cancer syndrome. Last evaluated: 2025-02-05. Review status: criteria provided, single submitter. Criteria: Myriad Autosomal Dominant, Autosomal Recessive and X-Linked Classification Criteria (2023). Collection method: clinical testing. Allele origin: unknown.
Comment: This variant is considered benign. This variant is a silent/synonymous amino acid change and it is not expected to impact splicing.